The following is an entry in ClinVar:

NM_002296.4(LBR):c.754G>A (p.Glu252Lys)

Gene: LBR (lamin B receptor; minus strand). Cytogenetic location: 1q42.12.
Variant type: single nucleotide variant.
Coding change: c.754G>A on transcript NM_002296.4 (MANE Select); coding-DNA position 754, G replaced by A.
Protein change: p.Glu252Lys; replaces glutamic acid 252 with lysine.
Molecular consequence: missense variant.
Genome position (GRCh38, 1-based): chr1:225,418,067, C>T on the plus strand (G>A on the coding strand, the complement: LBR is on the minus strand). VCF-style: chr1-225418067-C-T. GRCh37 (hg19) VCF-style: chr1-225605769-C-T.
Other names: c.754G>A, p.Glu252Lys (NM_194442.3); short protein forms E252K.
Identifiers: ClinVar variation 1913914 (VCV001913914.5), dbSNP rs2527817945, ClinGen allele CA344998546.

ClinVar aggregate classification (germline): Uncertain significance (1 of 4 stars; one submission).

Allele frequency attached by ClinVar (database versions not stated): gnomAD exomes below 0.00001.
gnomAD v4.1: 3 of 1,614,168 alleles (0.00019%); highest among the groups gnomAD compares: Non-Finnish European, 0.00025%; no homozygotes.

Submission:

Labcorp Genetics (formerly Invitae), Labcorp
Classification: Uncertain significance. Last evaluated: 2024-07-14. Review status: criteria provided, single submitter. Criteria: Invitae Variant Classification Sherloc (09022015). Collection method: clinical testing. Allele origin: germline.
Comment: This sequence change replaces glutamic acid, which is acidic and polar, with lysine, which is basic and polar, at codon 252 of the LBR protein (p.Glu252Lys). This variant is not present in population databases (gnomAD no frequency). This variant has not been reported in the literature in individuals affected with LBR-related conditions. ClinVar contains an entry for this variant (Variation ID: 1913914). Advanced modeling of protein sequence and biophysical properties (such as structural, functional, and spatial information, amino acid conservation, physicochemical variation, residue mobility, and thermodynamic stability) performed at Invitae indicates that this missense variant is not expected to disrupt LBR protein function with a negative predictive value of 80%. In summary, the available evidence is currently insufficient to determine the role of this variant in disease. Therefore, it has been classified as a Variant of Uncertain Significance.